The following is an entry in ClinVar:

ClinVar aggregate classification (germline): Uncertain significance. Review status: criteria provided, multiple submitters, no conflicts (2 of 4 stars). 2 submissions from 2 submitters: Uncertain significance (2). Last evaluated 2024-06-21.

Conditions:
Holoprosencephaly 3 (HPE3). Identifiers: Orphanet 2162, MedGen C1840529, MONDO:0007733, OMIM 142945.

Submissions (2):

Labcorp Genetics (formerly Invitae), Labcorp
Classification: Uncertain significance for Holoprosencephaly 3. Last evaluated: 2024-06-21. Review status: criteria provided, single submitter. Criteria: Invitae Variant Classification Sherloc (09022015). Collection method: clinical testing. Allele origin: germline.
Comment: This sequence change replaces leucine, which is neutral and non-polar, with proline, which is neutral and non-polar, at codon 390 of the SHH protein (p.Leu390Pro). This variant is not present in population databases (gnomAD no frequency). This variant has not been reported in the literature in individuals affected with SHH-related conditions. ClinVar contains an entry for this variant (Variation ID: 2662207). Advanced modeling of protein sequence and biophysical properties (such as structural, functional, and spatial information, amino acid conservation, physicochemical variation, residue mobility, and thermodynamic stability) performed at Invitae indicates that this missense variant is not expected to disrupt SHH protein function with a negative predictive value of 80%. In summary, the available evidence is currently insufficient to determine the role of this variant in disease. Therefore, it has been classified as a Variant of Uncertain Significance.

GeneDx
Classification: Uncertain significance. Last evaluated: 2023-05-05. Review status: criteria provided, single submitter. Criteria: GeneDx Variant Classification Process June 2021. Collection method: clinical testing. Allele origin: germline. Affected: yes.
Comment: Not observed at significant frequency in large population cohorts (gnomAD); In silico analysis supports that this missense variant has a deleterious effect on protein structure/function; Has not been previously published as pathogenic or benign to our knowledge

NM_000193.4(SHH):c.1169T>C (p.Leu390Pro)

Gene: SHH (sonic hedgehog signaling molecule; minus strand). Cytogenetic location: 7q36.3.
Variant type: single nucleotide variant.
Coding change: c.1169T>C on transcript NM_000193.4 (MANE Select); coding-DNA position 1169, T replaced by C.
Protein change: p.Leu390Pro; replaces leucine 390 with proline.
Molecular consequence: missense variant. On other transcripts: intron variant (1).
Genome position (GRCh38, 1-based): chr7:155,803,120, A>G on the plus strand (T>C on the coding strand, the complement: SHH is on the minus strand). VCF-style: chr7-155803120-A-G. GRCh37 (hg19) VCF-style: chr7-155595814-A-G.
Other names: c.302-2875T>C (NM_001310462.2); short protein forms L390P.
Identifiers: ClinVar variation 2662207 (VCV002662207.3), dbSNP rs2535892171, ClinGen allele CA370144836.